The following is an entry in ClinVar:

NM_000091.5(COL4A3):c.3446G>A (p.Gly1149Glu)

Genes: COL4A3 (collagen type IV alpha 3 chain; plus strand), MFF-DT (MFF divergent transcript; minus strand). Cytogenetic location: 2q36.3.
Variant type: single nucleotide variant.
Coding change: c.3446G>A on transcript NM_000091.5 (MANE Select); coding-DNA position 3446, G replaced by A.
Protein change: p.Gly1149Glu; replaces glycine 1149 with glutamic acid.
Molecular consequence: missense variant.
Genome position (GRCh38, 1-based): chr2:227,294,991, G>A. VCF-style: chr2-227294991-G-A. GRCh37 (hg19) VCF-style: chr2-228159707-G-A.
Other names: short protein forms G1149E.
Identifiers: ClinVar variation 4875534 (VCV004875534.1).

ClinVar aggregate classification (germline): Uncertain significance (1 of 4 stars; one submission).

Conditions:
Hematuria, benign familial, 1 (BFH1). Also called: THIN MEMBRANE NEPHROPATHY. Identifiers: MedGen CN376803, MONDO:0007709, OMIM 141200.

Submission:

Department of Nephrology, Rheumatology and Immunology, Shanghai Children's Hospital
Classification: Uncertain significance for Hematuria, benign familial, 1. Last evaluated: 2016-09-27. Review status: criteria provided, single submitter. Criteria: ACMG Guidelines, 2015. Collection method: clinical testing. Allele origin: paternal. Affected: yes. Observed: 1 variant allele.
Comment: COL4A3 (NM_000091.5; c.3446G>A; p.Gly1149Glu; EX40/CDS40; Het): A missense variant with no published pathogenic evidence, defined as VUS. Functional prediction by SIFT and PolyPhen indicated damaging effects, and its population allele frequency is extremely low.